The following is an entry in ClinVar:

ClinVar aggregate classification (germline): Benign. Review status: criteria provided, multiple submitters, no conflicts (2 of 4 stars). 2 submissions from 2 submitters: Benign (2). Last evaluated 2018-06-14.

Allele frequency attached by ClinVar (database versions not stated): 1000 Genomes Project 30x 0.04247; TOPMed 0.04326; 1000 Genomes Project 0.04453; gnomAD 0.05003 and 0.05091; gnomAD exomes 0.05755.
gnomAD v4.1: 58,785 of 1,041,756 alleles (5.6%); highest among the groups gnomAD compares: South Asian, 9.8%; 2,023 homozygotes.

Submissions (2):

GeneDx
Classification: Benign. Last evaluated: 2018-06-14. Review status: criteria provided, single submitter. Criteria: GeneDx Variant Classification (06012015). Collection method: clinical testing. Allele origin: germline. Affected: yes.
Comment: This variant is considered likely benign or benign based on one or more of the following criteria: it is a conservative change, it occurs at a poorly conserved position in the protein, it is predicted to be benign by multiple in silico algorithms, and/or has population frequency not consistent with disease.

Breakthrough Genomics
Classification: Benign. Review status: criteria provided, single submitter. Criteria: ACMG Guidelines, 2015. Collection method: not provided. Allele origin: germline. Inheritance: Autosomal recessive inheritance. Affected: yes.

NM_004373.4(COX6A1):c.246+152T>A

Gene: COX6A1 (cytochrome c oxidase subunit 6A1; plus strand). Cytogenetic location: 12q24.31.
Variant type: single nucleotide variant.
Coding change: c.246+152T>A on transcript NM_004373.4 (MANE Select); 152 bases into the intron after coding-DNA position 246, T replaced by A.
Molecular consequence: intron variant.
Genome position (GRCh38, 1-based): chr12:120,438,673, T>A. VCF-style: chr12-120438673-T-A. GRCh37 (hg19) VCF-style: chr12-120876476-T-A.
Identifiers: ClinVar variation 669703 (VCV000669703.2), dbSNP rs77643067, ClinGen allele CA13677036.